The following is an entry in ClinVar:

ClinVar aggregate classification (germline): Uncertain significance. Review status: criteria provided, multiple submitters, no conflicts (2 of 4 stars). 2 submissions from 2 submitters: Uncertain significance (2). Last evaluated 2024-09-04.

Conditions:
Hereditary cancer-predisposing syndrome. Also called: Hereditary Cancer Syndrome; Tumor predisposition; Hereditary neoplastic syndrome; Neoplastic Syndromes, Hereditary. Identifiers: Orphanet 140162, MedGen C0027672, MeSH D009386, MONDO:0015356.
Tuberous sclerosis 1 (TSC1). Identifiers: Orphanet 805, MedGen C1854465, MONDO:0008612, OMIM 191100.

Submissions (2):

Ambry Genetics
Classification: Uncertain significance for Hereditary cancer-predisposing syndrome. Last evaluated: 2024-09-04. Review status: criteria provided, single submitter. Criteria: Ambry Variant Classification Scheme 2023. Collection method: clinical testing. Allele origin: germline.
Comment: The p.R570T variant (also known as c.1709G>C), located in coding exon 13 of the TSC1 gene, results from a G to C substitution at nucleotide position 1709. The arginine at codon 570 is replaced by threonine, an amino acid with similar properties. This amino acid position is conserved. In addition, the in silico prediction for this alteration is inconclusive. Based on the available evidence, the clinical significance of this variant remains unclear.

Labcorp Genetics (formerly Invitae), Labcorp
Classification: Uncertain significance for Tuberous sclerosis 1. Last evaluated: 2024-05-06. Review status: criteria provided, single submitter. Criteria: Invitae Variant Classification Sherloc (09022015). Collection method: clinical testing. Allele origin: germline.
Comment: This sequence change replaces arginine, which is basic and polar, with threonine, which is neutral and polar, at codon 570 of the TSC1 protein (p.Arg570Thr). This variant is not present in population databases (gnomAD no frequency). This variant has not been reported in the literature in individuals affected with TSC1-related conditions. ClinVar contains an entry for this variant (Variation ID: 2003236). Advanced modeling of protein sequence and biophysical properties (such as structural, functional, and spatial information, amino acid conservation, physicochemical variation, residue mobility, and thermodynamic stability) performed at Invitae indicates that this missense variant is not expected to disrupt TSC1 protein function with a negative predictive value of 95%. In summary, the available evidence is currently insufficient to determine the role of this variant in disease. Therefore, it has been classified as a Variant of Uncertain Significance.

NM_000368.5(TSC1):c.1709G>C (p.Arg570Thr)

Gene: TSC1 (TSC complex subunit 1; minus strand). Cytogenetic location: 9q34.13.
Variant type: single nucleotide variant.
Coding change: c.1709G>C on transcript NM_000368.5 (MANE Select); coding-DNA position 1709, G replaced by C.
Protein change: p.Arg570Thr; replaces arginine 570 with threonine.
Molecular consequence: missense variant.
Genome position (GRCh38, 1-based): chr9:132,905,869, C>G on the plus strand (G>C on the coding strand, the complement: TSC1 is on the minus strand). VCF-style: chr9-132905869-C-G. GRCh37 (hg19) VCF-style: chr9-135781256-C-G.
Other names: c.1706G>C, p.Arg569Thr (NM_001162426.2, NM_001406597.1, NM_001406598.1 and 6 more transcripts); c.1556G>C, p.Arg519Thr (NM_001162427.2, NM_001406610.1); c.1346G>C, p.Arg449Thr (NM_001362177.2, NM_001406614.1, NM_001406615.1 and 5 more transcripts); c.1709G>C, p.Arg570Thr (NM_001406592.1, NM_001406593.1, NM_001406594.1 and 7 more transcripts); c.1553G>C, p.Arg518Thr (NM_001406611.1, NM_001406612.1, NM_001406613.1); c.755G>C, p.Arg252Thr (NM_001406628.1, NM_001406627.1); c.656G>C, p.Arg219Thr (NM_001406629.1, NM_001406630.1); c.1343G>C, p.Arg448Thr (NM_001406620.1, NM_001406621.1, NM_001406622.1 and 2 more transcripts); and 1 more; short protein forms R449T, R570T, R219T, R569T, R252T, R448T, R518T, R253T.
Identifiers: ClinVar variation 2003236 (VCV002003236.5), dbSNP rs2131830228, ClinGen allele CA375364075.